The following is an entry in ClinVar:

ClinVar aggregate classification (germline): Uncertain significance. Review status: criteria provided, multiple submitters, no conflicts (2 of 4 stars). 2 submissions from 2 submitters: Uncertain significance (2). Last evaluated 2022-10-25.

Conditions:
Inborn genetic diseases. Identifiers: MedGen C0950123, MeSH D030342.
Niemann-Pick disease, type C1. Also called: NEUROVISCERAL STORAGE DISEASE WITH VERTICAL SUPRANUCLEAR OPHTHALMOPLEGIA; NIEMANN-PICK DISEASE WITH CHOLESTEROL ESTERIFICATION BLOCK; NIEMANN-PICK DISEASE WITHOUT SPHINGOMYELINASE DEFICIENCY; NIEMANN-PICK DISEASE, CHRONIC NEURONOPATHIC FORM; NIEMANN-PICK DISEASE, VARIANT TYPE C1. Identifiers: Orphanet 646, MedGen C3179455, MONDO:0009757, OMIM 257220.

Allele frequency attached by ClinVar (database versions not stated): ExAC 0.00001; gnomAD exomes 0.00001 and 0.00002; TOPMed 0.00001; ESP Exome Variant Server 0.00008.
gnomAD v4.1: 10 of 1,515,028 alleles (0.00066%); highest among the groups gnomAD compares: South Asian, 0.0034%; no homozygotes.

Submissions (2):

Labcorp Genetics (formerly Invitae), Labcorp
Classification: Uncertain significance for Niemann-Pick disease, type C1. Last evaluated: 2022-10-25. Review status: criteria provided, single submitter. Criteria: Invitae Variant Classification Sherloc (09022015). Collection method: clinical testing. Allele origin: germline.
Comment: This sequence change replaces arginine, which is basic and polar, with cysteine, which is neutral and slightly polar, at codon 646 of the NPC1 protein (p.Arg646Cys). This variant is present in population databases (rs368129141, gnomAD 0.01%). This variant has not been reported in the literature in individuals affected with NPC1-related conditions. ClinVar contains an entry for this variant (Variation ID: 1368675). Advanced modeling of protein sequence and biophysical properties (such as structural, functional, and spatial information, amino acid conservation, physicochemical variation, residue mobility, and thermodynamic stability) performed at Invitae indicates that this missense variant is not expected to disrupt NPC1 protein function. In summary, the available evidence is currently insufficient to determine the role of this variant in disease. Therefore, it has been classified as a Variant of Uncertain Significance.

Ambry Genetics
Classification: Uncertain significance for Inborn genetic diseases. Last evaluated: 2021-03-18. Review status: criteria provided, single submitter. Criteria: Ambry Variant Classification Scheme 2023. Collection method: clinical testing. Allele origin: germline.
Comment: The c.1936C>T (p.R646C) alteration is located in exon 12 (coding exon 12) of the NPC1 gene. This alteration results from a C to T substitution at nucleotide position 1936, causing the arginine (R) at amino acid position 646 to be replaced by a cysteine (C). The p.R646C alteration is predicted to be tolerated by in silico analysis. Based on insufficient or conflicting evidence, the clinical significance of this alteration remains unclear.

NM_000271.5(NPC1):c.1936C>T (p.Arg646Cys)

Gene: NPC1 (NPC intracellular cholesterol transporter 1; minus strand). Cytogenetic location: 18q11.2.
Variant type: single nucleotide variant.
Coding change: c.1936C>T on transcript NM_000271.5 (MANE Select); coding-DNA position 1936, C replaced by T.
Protein change: p.Arg646Cys; replaces arginine 646 with cysteine.
Molecular consequence: missense variant.
Genome position (GRCh38, 1-based): chr18:23,544,971, G>A on the plus strand (C>T on the coding strand, the complement: NPC1 is on the minus strand). VCF-style: chr18-23544971-G-A. GRCh37 (hg19) VCF-style: chr18-21124935-G-A.
Other names: c.1936C>T (NM_000271.4); short protein forms R646C.
Identifiers: ClinVar variation 1368675 (VCV001368675.6), dbSNP rs368129141, ClinGen allele CA8913343.